The following continues an entry in ClinVar:

NM_005857.5(ZMPSTE24):c.1085dup (p.Leu362fs)

Gene: ZMPSTE24. ClinVar aggregate classification (germline): Pathogenic. Pathogenic (17).

Submissions 11 to 23 of 23:

Fulgent Genetics
Classification: Pathogenic for Restrictive dermopathy 1; Mandibuloacral dysplasia with type B lipodystrophy. Last evaluated: 2022-01-10. Review status: criteria provided, single submitter. Criteria: ACMG Guidelines, 2015. Collection method: clinical testing. Allele origin: unknown.

Centre of Medical Genetics, University Hospital Muenster
Classification: Pathogenic for Restrictive dermopathy 1. Last evaluated: 2021-12-20. Review status: criteria provided, single submitter. Criteria: ACMG Guidelines, 2015. Collection method: clinical testing. Allele origin: germline. Affected: yes. Observed: 1 variant allele, 1 heterozygote.
Comment: ACMG categories: PVS1,PM2,PM3,PP5

Institute of Human Genetics, University of Leipzig Medical Center
Classification: Pathogenic for Restrictive dermopathy 1. Last evaluated: 2021-08-11. Review status: criteria provided, single submitter. Criteria: ACMG Guidelines, 2015. Collection method: clinical testing. Allele origin: unknown. Affected: yes.
Comment: This variant was identified as compound heterozygous with NM_005857.5:c.50del.

CeGaT Center for Human Genetics Tuebingen
Classification: Pathogenic. Last evaluated: 2018-07-01. Review status: criteria provided, single submitter. Criteria: CeGaT Center For Human Genetics Tuebingen Variant Classification Criteria Version 2. Collection method: clinical testing. Allele origin: germline. Affected: yes. Observed: 1 variant allele.

Illumina Laboratory Services, Illumina
Classification: Pathogenic for ZMPSTE24-Related Disorders. Last evaluated: 2017-10-13. Review status: criteria provided, single submitter. Criteria: ICSL Variant Classification Criteria 09 May 2019. Collection method: clinical testing. Allele origin: germline.
Comment: The ZMPSTE24 c.1085dupT (p.Leu362PhefsTer19) variant results in a frameshift and is predicted to result in premature truncation of the protein. The p.Leu362PhefsTer19 variant has been reported in six studies in which it is found in a compound heterozygous state with a missense variant in one individual with mandibuloacral dysplasia (Agarwal et al. 2003) and in a total of 14 individuals with lethal restrictive dermopathy including in six in homozygous state, in one in a compound heterozygous state, and in seven in a heterozygous state (Navarro et al. 2004; Moulson et al. 2005; Li 2010; Loucks et al. 2012; Ahmad et al. 2012). The p.Leu362PhefsTer19 variant was absent from over 500 control chromosomes and is reported at a frequency of 0.00062 in the South Asian population of the Exome Aggregation Consortium. Yeast complementation assays demonstrated that the p.Leu362PhefsTer19 variant protein, unlike wild type, was unable to rescue a growth arrest phenotype and results in only 1% of the wild type protein activity (Barrowman et al. 2012). The variant was also shown to result in a defect in prelamin A processing (Moulson et al. 2005). Based on the collective evidence and the potential impact of frameshift variants, the p.Leu362PhefsTer19 variant is classified as pathogenic for ZMPSTE24-related disorders. This variant was observed by ICSL as part of a predisposition screen in an ostensibly healthy population.

Undiagnosed Diseases Network, NIH
Classification: Pathogenic for Restrictive dermopathy 1. Last evaluated: 2016-07-31. Review status: criteria provided, single submitter. Criteria: ACMG Guidelines, 2015. Collection method: clinical testing. Allele origin: maternal. Inheritance: Autosomal recessive inheritance. Affected: yes. Observed: 1 variant allele, 1 heterozygote, 1 mosaic individual. Study: Undiagnosed Diseases Network (NIH), UDN.
Comment: The c.1077dupT change predicts a translation frameshift at residue 362 with subsequent premature translation termination.

Lifecell International Pvt. Ltd
Classification: Pathogenic for Restrictive dermopathy 1. Review status: criteria provided, single submitter. Criteria: ACMG Guidelines, 2015. Collection method: clinical testing. Allele origin: germline. Inheritance: Autosomal recessive inheritance. Affected: yes. Observed: 1 compound heterozygote.
Comment: A Heterozygous Frameshift variant c.1076_1077insT in Exon 9 of the ZMPSTE24 gene that results in the amino acid substitution p.Leu362fs*19 was identified. The observed variant has a maximum allele frequency of 0.00026% in gnomAD exomes and genomes, respectively. The severity of the impact of this variant on the protein is high, based on the effect of the protein and REVEL score. Rare Exome Variant Ensemble Learner (REVEL) is an ensembl method for predicting the pathogenicity of missense variants based on a combination of scores from 13 individual tools: MutPred, FATHMM v2.3, VEST 3.0, PolyPhen-2, SIFT, PROVEAN, MutationAssessor, MutationTaster, LRT, GERP++, SiPhy, phyloP, and phastCons. The REVEL score for an individual missense variant can range from 0 to 1, with higher scores reflecting greater likelihood that the variant is disease-causing. The variant has been reported to ClinVar as Pathogenic with a status of (2 stars) criteria provided, multiple submitters, no conflicts (Variation ID 4271 as of 2023-01-21). This sequence change creates a premature translational stop signal (p.Leu362Phefs*19) in the ZMPSTE24 gene. It is expected to result in an absent or disrupted protein product. Loss-of-function variants in ZMPSTE24 are known to be pathogenic (Barrowman, Jemima et al., 2012). Additionally, mutations in the gene are associated with restrictive dermopathy and Mandibuloacral dysplasia (Ahmad, Z et al., 2012; Navarro, Claire Laure et al., 2014). Based on the above evidence this variant has been classified as Pathogenic according to the ACMG guidelines.

OMIM
Classification: Pathogenic for MANDIBULOACRAL DYSPLASIA WITH TYPE B LIPODYSTROPHY. Last evaluated: 2012-05-01. Review status: no assertion criteria provided. Collection method: literature only. Allele origin: germline. Not counted in ClinVar's aggregate classification.

OMIM
Classification: Pathogenic for RESTRICTIVE DERMOPATHY, LETHAL. Last evaluated: 2012-05-01. Review status: no assertion criteria provided. Collection method: literature only. Allele origin: germline. Not counted in ClinVar's aggregate classification.

Diagnostic Laboratory, Department of Genetics, University Medical Center Groningen
Classification: Pathogenic. Review status: no assertion criteria provided. Collection method: clinical testing. Allele origin: germline. Affected: yes. Study: VKGL Data-share Consensus. Not counted in ClinVar's aggregate classification.

Genome Diagnostics Laboratory, University Medical Center Utrecht
Classification: Pathogenic. Review status: no assertion criteria provided. Collection method: clinical testing. Allele origin: germline. Affected: yes. Study: VKGL Data-share Consensus. Not counted in ClinVar's aggregate classification.

Laboratory of Diagnostic Genome Analysis, Leiden University Medical Center (LUMC)
Classification: Pathogenic. Review status: no assertion criteria provided. Collection method: clinical testing. Allele origin: germline. Affected: yes. Study: VKGL Data-share Consensus. Not counted in ClinVar's aggregate classification.

ZMPSTE24 homepage - Leiden Muscular Dystrophy pages
No classification provided. Review status: no classification provided. Collection method: not provided. Allele origin: germline. Not counted in ClinVar's aggregate classification.
Comment: has functional consequence

Literature cited by the submitters: PubMed 22718200 (cited by 5 submitters); PubMed 24169522 (cited by 4 submitters); PubMed 22495976 (cited by 4 submitters); PubMed 15843403 (cited by Variantyx, Inc.); PubMed 12913070 (cited by 3 submitters); PubMed 19020898 (cited by Labcorp Genetics (formerly Invitae), Labcorp and Dasa); PubMed 21831885 (cited by Labcorp Genetics (formerly Invitae), Labcorp and Dasa); PubMed 25629449 (cited by Labcorp Genetics (formerly Invitae), Labcorp and Dasa); PubMed 30919593 (cited by Dasa); PubMed 21108632 (cited by Illumina Laboratory Services, Illumina and Lifecell International Pvt. Ltd); PubMed 20034068 (cited by Illumina Laboratory Services, Illumina and OMIM); PubMed 16297189 (cited by Illumina Laboratory Services, Illumina and OMIM); PubMed 15317753 (cited by Illumina Laboratory Services, Illumina and OMIM); PubMed 20635340 (cited by OMIM); PubMed 8152880 (cited by OMIM); PubMed 3840649 (cited by OMIM).